The following is an entry in ClinVar:

ClinVar aggregate classification (germline): Pathogenic/Likely pathogenic. Review status: criteria provided, multiple submitters, no conflicts (2 of 4 stars). 3 submissions from 3 submitters: Pathogenic (2); Likely pathogenic (1). Last evaluated 2024-08-23.

Conditions:
Juvenile polyposis syndrome (JPS). Identifiers: Orphanet 2929, MedGen C0345893, MONDO:0017380, OMIM 174900.
Hereditary cancer-predisposing syndrome. Also called: Tumor predisposition; Hereditary neoplastic syndrome; Neoplastic Syndromes, Hereditary; Hereditary Cancer Syndrome. Identifiers: Orphanet 140162, MedGen C0027672, MeSH D009386, MONDO:0015356.
Familial thoracic aortic aneurysm and aortic dissection (TAAD). Also called: Thoracic aortic aneurysms and dissections. Identifiers: Orphanet 91387, MedGen C4707243, MONDO:0019625.
Generalized juvenile polyposis/juvenile polyposis coli. Also called: Juvenile polyposis coli. Identifiers: Orphanet 329971, MedGen C1868081, MONDO:0008276.

Submissions (3):

Ambry Genetics
Classification: Pathogenic for Hereditary cancer-predisposing syndrome; Familial thoracic aortic aneurysm and aortic dissection. Last evaluated: 2024-08-23. Review status: criteria provided, single submitter. Criteria: Ambry Variant Classification Scheme 2023. Collection method: clinical testing. Allele origin: germline.
Comment: The c.1271dupA pathogenic mutation, located in coding exon 9 of the SMAD4 gene, results from a duplication of A at nucleotide position 1271, causing a translational frameshift with a predicted alternate stop codon (p.D424Efs*5). This variant is considered to be rare based on population cohorts in the Genome Aggregation Database (gnomAD). This alteration is expected to result in loss of function by premature protein truncation or nonsense-mediated mRNA decay. As such, this alteration is interpreted as a disease-causing mutation.

Labcorp Genetics (formerly Invitae), Labcorp
Classification: Pathogenic for Juvenile polyposis syndrome. Last evaluated: 2021-08-13. Review status: criteria provided, single submitter. Criteria: Invitae Variant Classification Sherloc (09022015). Collection method: clinical testing. Allele origin: germline.
Comment: For these reasons, this variant has been classified as Pathogenic. ClinVar contains an entry for this variant (Variation ID: 496288). This variant has not been reported in the literature in individuals affected with SMAD4-related conditions. This variant is not present in population databases (ExAC no frequency). This sequence change creates a premature translational stop signal (p.Asp424Glufs*5) in the SMAD4 gene. It is expected to result in an absent or disrupted protein product. Loss-of-function variants in SMAD4 are known to be pathogenic (PMID: 16152648, 16436638, 22810475).

Women's Health and Genetics/Laboratory Corporation of America, LabCorp
Classification: Likely pathogenic for Juvenile polyposis syndrome. Last evaluated: 2017-03-13. Review status: criteria provided, single submitter. Criteria: LabCorp Variant Classification Summary - May 2015. Collection method: clinical testing. Allele origin: germline.
Comment: Variant summary: The SMAD4 c.1271dupA (p.Asp424Glufs) variant results in a premature termination codon, predicted to cause a truncated or absent SMAD4 protein due to nonsense mediated decay, which are commonly known mechanisms for disease. Truncations downstream of this position have been reported in association with JPS in HGMD. One in silico tool predicts a damaging outcome for this variant. This variant is absent in 120900 control chromosomes. The variant of interest has not, to our knowledge, been reported in affected individuals via publications and/or reputable databases/clinical diagnostic laboratories; nor evaluated for functional impact by in vivo/vitro studies. Taken together, this variant is classified as likely pathogenic.

Literature cited by the submitters: PubMed 16152648 (cited by Labcorp Genetics (formerly Invitae), Labcorp); PubMed 16436638 (cited by Labcorp Genetics (formerly Invitae), Labcorp); PubMed 22810475 (cited by Labcorp Genetics (formerly Invitae), Labcorp).

NM_005359.6(SMAD4):c.1271dup (p.Asp424fs)

Gene: SMAD4 (SMAD family member 4; plus strand). Cytogenetic location: 18q21.2.
Variant type: Duplication.
Coding change: c.1271dup on transcript NM_005359.6 (MANE Select); coding-DNA position 1271, one base duplicated (A; older notation c.1271dupA).
Protein change: p.Asp424fs; shifts the reading frame from aspartic acid 424.
Molecular consequence: frameshift variant.
Genome position (GRCh38, 1-based): chr18:51,067,150, A duplicated. VCF-style (leftmost placement, unchanged base first): chr18-51067149-G-GA. GRCh37 (hg19) VCF-style: chr18-48593519-G-GA.
Other names: c.1271dupA (NM_005359.5); short protein forms D424fs.
Identifiers: ClinVar variation 496288 (VCV000496288.9), dbSNP rs1555686616, ClinGen allele CA658684194.